The following is an entry in ClinVar:

ClinVar aggregate classification (germline): Uncertain significance (1 of 4 stars; one submission).

Submission:

GeneDx
Classification: Uncertain significance. Last evaluated: 2025-03-26. Review status: criteria provided, single submitter. Criteria: GeneDx Variant Classification Process June 2021. Collection method: clinical testing. Allele origin: germline. Affected: yes.
Comment: Not observed at significant frequency in large population cohorts (gnomAD); In silico analysis indicates that this missense variant does not alter protein structure/function; In silico analysis supports a deleterious effect on splicing; Has not been previously published as pathogenic or benign to our knowledge

NM_016628.5(WAC):c.232G>T (p.Ala78Ser)

Gene: WAC (WW domain containing adaptor with coiled-coil; plus strand). Cytogenetic location: 10p12.1.
Variant type: single nucleotide variant.
Coding change: c.232G>T on transcript NM_016628.5 (MANE Select); coding-DNA position 232, G replaced by T.
Protein change: p.Ala78Ser; replaces alanine 78 with serine.
Molecular consequence: missense variant.
Genome position (GRCh38, 1-based): chr10:28,535,715, G>T. VCF-style: chr10-28535715-G-T. GRCh37 (hg19) VCF-style: chr10-28824644-G-T.
Other names: c.97G>T, p.Ala33Ser (NM_100264.3); c.232G>T, p.Ala78Ser (NM_100486.4); short protein forms A33S, A78S.
Identifiers: ClinVar variation 4282485 (VCV004282485.1).
Genomic context (GRCh38, chr10:28,535,715, plus strand): 5'-ATGTTGCGGAGATCTGATAGTCCTGAAAACAAATACAGTGACAGCACAGGTCACAGTAAG[G>T]CCAAAAATGTGCATACTCACAGAGTTAGAGAGAGGGATGGTGGTGAGTATCTTTCTTGTT-3'
Protein context (NP_057712.2, residues 68-88): KYSDSTGHSK[Ala78Ser]KNVHTHRVRE